The following is an entry in ClinVar:

ClinVar aggregate classification (germline): Uncertain significance (1 of 4 stars; one submission).

gnomAD v4.1: 2 of 1,613,992 alleles (0.00012%); highest among the groups gnomAD compares: South Asian, 0.0022%; no homozygotes.

Submission:

Women's Health and Genetics/Laboratory Corporation of America, LabCorp
Classification: Uncertain significance. Last evaluated: 2025-05-13. Review status: criteria provided, single submitter. Criteria: LabCorp Variant Classification Summary - May 2015. Collection method: clinical testing. Allele origin: germline.
Comment: Variant summary: SLC26A4 c.261C>A (p.Asp87Glu) results in a conservative amino acid change in the encoded protein sequence. Algorithms developed to predict the effect of missense changes on protein structure and function are either unavailable or do not agree on the potential impact of this missense change. The variant allele was found at a frequency of 4e-06 in 251482 control chromosomes. The available data on variant occurrences in the general population are insufficient to allow any conclusion about variant significance. To our knowledge, no occurrence of c.261C>A in individuals affected with Pendred Syndrome and no experimental evidence demonstrating its impact on protein function have been reported. No submitters have cited clinical-significance assessments for this variant to ClinVar. Based on the evidence outlined above, the variant was classified as uncertain significance.

NM_000441.2(SLC26A4):c.261C>A (p.Asp87Glu)

Gene: SLC26A4 (solute carrier family 26 member 4; plus strand). Cytogenetic location: 7q22.3.
Variant type: single nucleotide variant.
Coding change: c.261C>A on transcript NM_000441.2 (MANE Select); coding-DNA position 261, C replaced by A.
Protein change: p.Asp87Glu; replaces aspartic acid 87 with glutamic acid.
Molecular consequence: missense variant.
Genome position (GRCh38, 1-based): chr7:107,663,392, C>A. VCF-style: chr7-107663392-C-A. GRCh37 (hg19) VCF-style: chr7-107303837-C-A.
Other names: short protein forms D87E.
Identifiers: ClinVar variation 3902240 (VCV003902240.1).